The following is an entry in ClinVar:

NM_003743.5(NCOA1):c.1575C>A (p.Ala525=)

Gene: NCOA1 (nuclear receptor coactivator 1; plus strand). Cytogenetic location: 2p23.3.
Variant type: single nucleotide variant.
Coding change: c.1575C>A on transcript NM_003743.5 (MANE Select); coding-DNA position 1575, C replaced by A.
Protein change: p.Ala525=; no amino-acid change (alanine 525 retained).
Molecular consequence: synonymous variant.
Genome position (GRCh38, 1-based): chr2:24,707,045, C>A. VCF-style: chr2-24707045-C-A. GRCh37 (hg19) VCF-style: chr2-24929914-C-A.
Other names: c.1575C>A, p.Ala525= (NM_001362950.1, NM_001362952.1, NM_001362954.1 and 3 more transcripts).
Identifiers: ClinVar variation 4985904 (VCV004985904.1).

ClinVar aggregate classification (germline): Likely benign (1 of 4 stars; one submission).

Conditions:
NCOA1-related disorder. Also called: NCOA1-related condition.

gnomAD v4.1: 3 of 1,614,054 alleles (0.00019%); highest among the groups gnomAD compares: African/African-American, 0.004%; no homozygotes.

Submission:

PreventionGenetics, part of Exact Sciences
Classification: Likely benign for NCOA1-related condition. Last evaluated: 2025-04-22. Review status: criteria provided, single submitter. Criteria: ACMG Guidelines, 2015. Collection method: clinical testing. Allele origin: germline.
Comment: This variant is classified as likely benign based on ACMG/AMP sequence variant interpretation guidelines (Richards et al. 2015 PMID: 25741868, with internal and published modifications).